The following is an entry in ClinVar:

ClinVar aggregate classification (germline): Uncertain significance (1 of 4 stars; one submission).

Conditions:
Inborn genetic diseases. Identifiers: MedGen C0950123, MeSH D030342.

gnomAD v4.1: 1 of 1,610,566 alleles (0.000062%); highest among the groups gnomAD compares: Non-Finnish European, 0.000085%; no homozygotes.

Submission:

Ambry Genetics
Classification: Uncertain significance for Inborn genetic diseases. Last evaluated: 2026-02-20. Review status: criteria provided, single submitter. Criteria: Ambry Variant Classification Scheme 2023. Collection method: clinical testing. Allele origin: germline.
Comment: The p.Y289S variant (also known as c.866A>C), located in coding exon 3 of the WT1 gene, results from an A to C substitution at nucleotide position 866. The tyrosine at codon 289 is replaced by serine, an amino acid with dissimilar properties. This amino acid position is highly conserved in available vertebrate species. In addition, this alteration is predicted to be deleterious by in silico analysis. Based on the available evidence, the clinical significance of this variant remains unclear.

NM_024426.6(WT1):c.881A>C (p.Tyr294Ser)

Gene: WT1 (WT1 transcription factor; minus strand). Cytogenetic location: 11p13.
Variant type: single nucleotide variant.
Coding change: c.881A>C on transcript NM_024426.6 (MANE Select); coding-DNA position 881, A replaced by C.
Protein change: p.Tyr294Ser; replaces tyrosine 294 with serine.
Molecular consequence: missense variant. On other transcripts: non-coding transcript variant (2).
Genome position (GRCh38, 1-based): chr11:32,427,962, T>G on the plus strand (A>C on the coding strand, the complement: WT1 is on the minus strand). VCF-style: chr11-32427962-T-G. GRCh37 (hg19) VCF-style: chr11-32449508-T-G.
Other names: c.881A>C, p.Tyr294Ser (NM_000378.6, NM_001407044.1, NM_001407045.1 and 4 more transcripts); c.230A>C, p.Tyr77Ser (NM_001198551.2, NM_001198552.2); c.758A>C, p.Tyr253Ser (NM_001407047.1, NM_001407050.1); c.119A>C, p.Tyr40Ser (NM_001407051.1); c.662A>C, p.Tyr221Ser (NM_001429031.1, NM_001429032.1, NM_001429033.1 and 1 more transcripts); short protein forms Y77S, Y294S, Y289S, Y221S, Y253S, Y40S.
Identifiers: ClinVar variation 4825401 (VCV004825401.1).